The following is an entry in ClinVar:

NM_000545.8(HNF1A):c.1772_1773del (p.Ser591fs)

Genes: C12orf43 (chromosome 12 open reading frame 43; minus strand), HNF1A (HNF1 homeobox A; plus strand). Cytogenetic location: 12q24.31.
Variant type: Deletion.
Coding change: c.1772_1773del on transcript NM_000545.8 (MANE Select); coding-DNA positions 1772 to 1773, 2 bases deleted (CC; older notation c.1772_1773delCC).
Protein change: p.Ser591fs; shifts the reading frame from serine 591.
Molecular consequence: frameshift variant. On other transcripts: 3 prime UTR variant (3).
Genome position (GRCh38, 1-based): chr12:121,001,068-121,001,069, CC deleted. VCF-style (leftmost placement, unchanged base first): chr12-121001067-TCC-T. GRCh37 (hg19) VCF-style: chr12-121438870-TCC-T.
Other names: NM_022895.3:c.*3084_*3085del; NM_000545.8(HNF1A):c.1772_1773del; p.Ser591fs; c.*3084_*3085del (NM_001286191.2, NM_001286196.2, NM_022895.3); c.1793_1794del, p.Ser598fs (NM_001306179.2); c.1580_1581del, p.Ser527fs (NM_001406915.1); short protein forms S591fs, S598fs, S527fs.
Identifiers: ClinVar variation 1687070 (VCV001687070.4), dbSNP rs2135854397, ClinGen allele CA2573051041.

ClinVar aggregate classification (germline): Likely pathogenic (3 of 4 stars; one submission).

Conditions:
Monogenic diabetes. Identifiers: Orphanet 183625, MedGen C3888631, MONDO:0015967.

Submission:

ClinGen Monogenic Diabetes Variant Curation Expert Panel
Classification: Likely pathogenic for Monogenic diabetes. Last evaluated: 2025-10-03. Review status: reviewed by expert panel. Criteria: ClinGen Diabetes ACMG Specifications HNF1A V3.0.0. Collection method: curation. Allele origin: germline. Inheritance: Autosomal dominant inheritance.
Comment: The c.1772_1773del variant in the HNF1 homeobox A gene, HNF1A, causes a frameshift in the protein at codon 591 NM_000545.8, adding 57 novel amino acids before encountering a stop codon (p.(Ser591PhefsTer57)). While this variant, located in exon 10 of 10, is not predicted to result in nonsense-mediated decay of the transcript, it will significantly disrupt the transactivation domain of the protein (PVS1_Strong; PMID: 23348805). Additionally, this variant was identified in at least one individual with a clinical history specific for HNF1A-monogenic diabetes (MODY probability calculator result >50%, negative genetic testing for HNF4A) (PP4; internal lab contributors). This variant is absent from gnomAD v4.1 (PM2_Supporting). This variant segregated with diabetes with one informative meiosis in a single family; however, this does not meet the thresholds for PP1 set by the ClinGen MDEP (PMID: 27236918; [internal lab contributors]). In summary, c.1772_1733del meets the criteria to be classified as likely pathogenic for monogenic diabetes. ACMG/AMP criteria applied, as specified by the ClinGen MDEP (specification version 3.0.0, approved 6/30/25): PVS1_Strong, PP4, PM2_Supporting.